The following is an entry in ClinVar:

NM_024899.4(CEP76):c.302T>C (p.Ile101Thr)

Genes: CEP76 (centrosomal protein 76; minus strand), PSMG2 (proteasome assembly chaperone 2; plus strand). Cytogenetic location: 18p11.21.
Variant type: single nucleotide variant.
Coding change: c.302T>C on transcript NM_024899.4 (MANE Select); coding-DNA position 302, T replaced by C.
Protein change: p.Ile101Thr; replaces isoleucine 101 with threonine.
Molecular consequence: missense variant. On other transcripts: non-coding transcript variant (1), intron variant (2).
Genome position (GRCh38, 1-based): chr18:12,699,197, A>G on the plus strand (T>C on the coding strand, the complement: CEP76 is on the minus strand). VCF-style: chr18-12699197-A-G. GRCh37 (hg19) VCF-style: chr18-12699196-A-G.
Other names: c.-36-7353A>G (NM_147163.2); c.295+633T>C (NM_001271989.2); short protein forms I101T.
Identifiers: ClinVar variation 4075834 (VCV004075834.1).

ClinVar aggregate classification (germline): Likely pathogenic (1 of 4 stars; one submission).

gnomAD v4.1: 26 of 1,609,080 alleles (0.0016%); highest among the groups gnomAD compares: Admixed American, 0.012%; no homozygotes.

Submission:

Advanced Center For Translational And Genetic Medicine, Ann & Robert H. Lurie Children's Hospital Of Chicago
Classification: Likely pathogenic. Last evaluated: 2024-07-29. Review status: criteria provided, single submitter. Criteria: ACMG Guidelines, 2015. Collection method: research, in vitro. Allele origin: biparental, not applicable. Affected: yes. Observed: 1 homozygote. Functional consequence: loss_of_function_variant.
Comment: Well-established in vitro or in vivo functional studies supportive of a damaging effect on the gene or gene product (PS3), Extremely low frequency in gnomAD v4.1.0 (recessive condition) (PM2), Multiple computational tools support deleterious effect, CADD=24.1 and Mutation Taster predicts Disease Causing (PP3)